The following is an entry in ClinVar:

NM_177438.3(DICER1):c.5397A>G (p.Glu1799=)

Gene: DICER1 (dicer 1, ribonuclease III; minus strand). Cytogenetic location: 14q32.13.
Variant type: single nucleotide variant.
Coding change: c.5397A>G on transcript NM_177438.3 (MANE Select); coding-DNA position 5397, A replaced by G.
Protein change: p.Glu1799=; no amino-acid change (glutamic acid 1799 retained).
Molecular consequence: synonymous variant. On other transcripts: non-coding transcript variant (6), intron variant (1).
Genome position (GRCh38, 1-based): chr14:95,091,333, T>C on the plus strand (A>G on the coding strand, the complement: DICER1 is on the minus strand). VCF-style: chr14-95091333-T-C. GRCh37 (hg19) VCF-style: chr14-95557670-T-C.
Other names: c.5397A>G, p.Glu1799= (NM_001271282.3, NM_001291628.2, NM_001395677.1 and 7 more transcripts); c.5115A>G, p.Glu1705= (NM_001395686.1); c.4992A>G, p.Glu1664= (NM_001395687.1, NM_001395688.1, NM_001395689.1 and 1 more transcripts); c.4830A>G, p.Glu1610= (NM_001395691.1); c.3714A>G, p.Glu1238= (NM_001395697.1); c.5365-224A>G (NM_001195573.1).
Identifiers: ClinVar variation 3840013 (VCV003840013.3).
Genomic context (GRCh38, chr14:95,091,333, plus strand): 5'-AATGGCACCAGCAAGCGACTCAAAAATATCCCCCATGGCCTTTGGAACTTCAATATCCTC[T>C]TCTTTCTCTTCATCCTCCTCAGATCTCCTAAGCTATTACAGAGGGAAAAGTGACTTGTAA-3'
Protein context (NP_803187.1, residues 1789-1809): LRRSEEDEEK[Glu1799=]EDIEVPKAMG

ClinVar aggregate classification (germline): Conflicting classifications of pathogenicity. Review status: criteria provided, conflicting classifications (1 of 4 stars). 2 submissions from 2 submitters: Uncertain significance (1); Benign (1). Last evaluated 2026-08-28.

Conditions:
Hereditary cancer-predisposing syndrome. Also called: Hereditary Cancer Syndrome; Hereditary neoplastic syndrome; Neoplastic Syndromes, Hereditary; Tumor predisposition. Identifiers: Orphanet 140162, MedGen C0027672, MeSH D009386, MONDO:0015356.
DICER1-related tumor predisposition. Also called: DICER1-related pleuropulmonary blastoma cancer predisposition syndrome; DICER1 syndrome. Identifiers: Orphanet 284343, MedGen C3839822, MONDO:0100216.

Submissions (2):

Ambry Genetics
Classification: Uncertain significance for Hereditary cancer-predisposing syndrome. Last evaluated: 2026-08-28. Review status: criteria provided, single submitter. Criteria: Ambry Variant Classification Scheme 2023. Collection method: clinical testing. Allele origin: germline.
Comment: The c.5397A>G variant (also known as p.E1799E), located in coding exon 24 of the DICER1 gene, results from an A to G substitution at nucleotide position 5397. This nucleotide substitution does not change the glutamic acid at codon 1799. This nucleotide position is not well conserved in available vertebrate species. In silico splice site analysis predicts that this alteration will not have any significant effect on splicing. RNA studies have demonstrated that this variant results in an incomplete splice defect; the clinical impact of this abnormal splicing is unknown at this time (Ambry internal data). Based on the available evidence, the clinical significance of this variant remains unclear.

Myriad Genetics, Inc.
Classification: Benign for DICER1-related tumor predisposition. Last evaluated: 2026-04-21. Review status: criteria provided, single submitter. Criteria: Myriad Autosomal Dominant, Autosomal Recessive and X-Linked Classification Criteria (2023). Collection method: clinical testing. Allele origin: unknown.
Comment: This variant is considered benign. This variant is a silent/synonymous amino acid change and it is not expected to impact splicing.